The following is an entry in ClinVar:

NM_032638.5(GATA2):c.1018-5C>A

Gene: GATA2 (GATA binding protein 2; minus strand). Cytogenetic location: 3q21.3.
Variant type: single nucleotide variant.
Coding change: c.1018-5C>A on transcript NM_032638.5 (MANE Select); 5 bases into the intron before coding-DNA position 1018, C replaced by A.
Molecular consequence: intron variant.
Genome position (GRCh38, 1-based): chr3:128,481,949, G>T on the plus strand (C>A on the coding strand, the complement: GATA2 is on the minus strand). VCF-style: chr3-128481949-G-T. GRCh37 (hg19) VCF-style: chr3-128200792-G-T.
Other names: c.1018-47C>A (NM_001145662.1); c.1018-5C>A (NM_001145661.2, NM_032638.4).
Identifiers: ClinVar variation 1157941 (VCV001157941.10), dbSNP rs769196688, ClinGen allele CA898647994.

ClinVar aggregate classification (germline): Conflicting classifications of pathogenicity. Review status: criteria provided, conflicting classifications (1 of 4 stars). 2 submissions from 2 submitters: Uncertain significance (1); Likely benign (1). Last evaluated 2025-01-15.

Conditions:
Deafness-lymphedema-leukemia syndrome. Also called: Emberger syndrome; Lymphedema, primary, with myelodysplasia. Identifiers: Orphanet 3226, MedGen C3279664, MONDO:0013540, OMIM 614038.
Monocytopenia with susceptibility to infections. Also called: MONOCYTOPENIA AND MYCOBACTERIAL INFECTION SYNDROME; MONOCYTOPENIA WITH SUSCEPTIBILITY TO MYCOBACTERIAL, FUNGAL, AND PAPILLOMAVIRUS INFECTIONS AND MYELODYSPLASIA; COMBINED IMMUNODEFICIENCY WITH SUSCEPTIBILITY TO MYCOBACTERIAL, VIRAL, AND FUNGAL INFECTIONS; Dendritic cell, monocyte, B lymphocyte, and natural killer lymphocyte deficiency; IMMUNODEFICIENCY 21; GATA2 DEFICIENCY. Identifiers: Orphanet 228423, MedGen C3280030, MONDO:0013607, OMIM 614172.
Inborn genetic diseases. Identifiers: MedGen C0950123, MeSH D030342.

Submissions (2):

Ambry Genetics
Classification: Uncertain significance for Inborn genetic diseases. Last evaluated: 2025-01-15. Review status: criteria provided, single submitter. Criteria: Ambry Variant Classification Scheme 2023. Collection method: clinical testing. Allele origin: germline.
Comment: The c.1018-5C>A intronic variant results from a C to A substitution 5 nucleotides upstream from coding exon 4 in the GATA2 gene. This nucleotide position is well conserved in available vertebrate species. In silico splice site analysis predicts that this alteration will not have any significant effect on splicing. Based on the available evidence, the clinical significance of this variant remains unclear.

Labcorp Genetics (formerly Invitae), Labcorp
Classification: Likely benign for Monocytopenia with susceptibility to infections; Deafness-lymphedema-leukemia syndrome. Last evaluated: 2020-03-22. Review status: criteria provided, single submitter. Criteria: Invitae Variant Classification Sherloc (09022015). Collection method: clinical testing. Allele origin: germline.